The following is an entry in ClinVar:

NM_004415.4(DSP):c.4753_4759del (p.Ser1585fs)

Gene: DSP (desmoplakin; plus strand). Cytogenetic location: 6p24.3.
Variant type: Deletion.
Coding change: c.4753_4759del on transcript NM_004415.4 (MANE Select); coding-DNA positions 4753 to 4759, 7 bases deleted (TCAGAAG; older notation c.4753_4759delTCAGAAG).
Protein change: p.Ser1585fs; shifts the reading frame from serine 1585.
Molecular consequence: frameshift variant. On other transcripts: intron variant (2).
Genome position (GRCh38, 1-based): chr6:7,580,943-7,580,949, TCAGAAG deleted; deleting any 7 consecutive bases within chr6:7,580,942-7,580,949 gives the same sequence; the c. name uses the placement nearest the transcript's 3' end. VCF-style (leftmost placement, unchanged base first): chr6-7580941-CGTCAGAA-C. GRCh37 (hg19) VCF-style: chr6-7581174-CGTCAGAA-C.
Other names: c.4050+703_4050+709del (NM_001319034.2); c.3582+1171_3582+1177del (NM_001008844.3); short protein forms S1585fs.
Identifiers: ClinVar variation 1433902 (VCV001433902.6), dbSNP rs2113694822, ClinGen allele CA2573140807.
Genomic context (GRCh38, chr6:7,580,941, plus strand): 5'-AAGAGCTGCAGCTGCAGAAGCAGAAGGTGGAAGAGGAGCTGAATCGGCTGAAGAGGACCG[CGTCAGAA>C]GACTCCTGCAAGAGGAAGAAGCTGGAGGAAGAGCTGGAAGGCATGAGGAGGTCGCTGAAG-3'

ClinVar aggregate classification (germline): Pathogenic (1 of 4 stars; one submission).

Conditions:
Arrhythmogenic right ventricular dysplasia 8 (ARVD8). Also called: ARRHYTHMOGENIC RIGHT VENTRICULAR DYSPLASIA, FAMILIAL, 8; ARRHYTHMOGENIC RIGHT VENTRICULAR CARDIOMYOPATHY 8; Arrhythmogenic Right Ventricular Dysplasia/Cardiomyopathy 8. Identifiers: MedGen C1843896, MONDO:0011831, OMIM 607450.
Arrhythmogenic cardiomyopathy with wooly hair and keratoderma. Also called: Arrhythmogenic cardiomyopathy with woolly hair and keratoderma; PALMOPLANTAR KERATODERMA WITH LEFT VENTRICULAR CARDIOMYOPATHY AND WOOLLY HAIR; Carvajal syndrome; Dilated cardiomyopathy with woolly hair and keratoderma. Identifiers: Orphanet 65282, MedGen C1854063, MONDO:0011581, OMIM 605676.

Submission:

Labcorp Genetics (formerly Invitae), Labcorp
Classification: Pathogenic for Arrhythmogenic cardiomyopathy with wooly hair and keratoderma; Arrhythmogenic right ventricular dysplasia 8. Last evaluated: 2024-05-22. Review status: criteria provided, single submitter. Criteria: Invitae Variant Classification Sherloc (09022015). Collection method: clinical testing. Allele origin: germline.
Comment: This sequence change creates a premature translational stop signal (p.Ser1585Thrfs*15) in the DSP gene. It is expected to result in an absent or disrupted protein product. Loss-of-function variants in DSP are known to be pathogenic (PMID: 20716751, 24503780, 25227139). This variant is not present in population databases (gnomAD no frequency). This variant has not been reported in the literature in individuals affected with DSP-related conditions. ClinVar contains an entry for this variant (Variation ID: 1433902). For these reasons, this variant has been classified as Pathogenic.

Literature cited by the submitters: PubMed 20716751; PubMed 24503780; PubMed 25227139.